The following is an entry in ClinVar:

ClinVar aggregate classification (germline): Uncertain significance (1 of 4 stars; one submission).

Conditions:
Hereditary cancer-predisposing syndrome. Also called: Neoplastic Syndromes, Hereditary; Tumor predisposition; Hereditary Cancer Syndrome; Hereditary neoplastic syndrome. Identifiers: Orphanet 140162, MedGen C0027672, MeSH D009386, MONDO:0015356.

Submission:

Ambry Genetics
Classification: Uncertain significance for Hereditary cancer-predisposing syndrome. Last evaluated: 2023-07-26. Review status: criteria provided, single submitter. Criteria: Ambry Variant Classification Scheme 2023. Collection method: clinical testing. Allele origin: germline.
Comment: The p.S422G variant (also known as c.1264A>G), located in coding exon 11 of the CHEK2 gene, results from an A to G substitution at nucleotide position 1264. The serine at codon 422 is replaced by glycine, an amino acid with similar properties. This amino acid position is well conserved in available vertebrate species. In addition, this alteration is predicted to be tolerated by in silico analysis. Since supporting evidence is limited at this time, the clinical significance of this alteration remains unclear.

Literature cited by the submitters: PubMed 26506619.

NM_007194.4(CHEK2):c.1264A>G (p.Ser422Gly)

Gene: CHEK2 (checkpoint kinase 2; minus strand). Cytogenetic location: 22q12.1.
Variant type: single nucleotide variant.
Coding change: c.1264A>G on transcript NM_007194.4 (MANE Select); coding-DNA position 1264, A replaced by G.
Protein change: p.Ser422Gly; replaces serine 422 with glycine.
Molecular consequence: missense variant.
Genome position (GRCh38, 1-based): chr22:28,695,238, T>C on the plus strand (A>G on the coding strand, the complement: CHEK2 is on the minus strand). VCF-style: chr22-28695238-T-C. GRCh37 (hg19) VCF-style: chr22-29091226-T-C.
Other names: c.601A>G, p.Ser201Gly (NM_001257387.3); c.1063A>G, p.Ser355Gly (NM_001349956.3); c.1393A>G, p.Ser465Gly (NM_001005735.3); c.1177A>G, p.Ser393Gly (NM_145862.3); short protein forms S393G, S465G, S355G, S201G, S422G.
Identifiers: ClinVar variation 1763764 (VCV001763764.3), dbSNP rs2052525092, ClinGen allele CA411096349.